The following is an entry in ClinVar:

NM_004999.4(MYO6):c.3137+5G>A

Gene: MYO6 (myosin VI; plus strand). Cytogenetic location: 6q14.1.
Variant type: single nucleotide variant.
Coding change: c.3137+5G>A on transcript NM_004999.4 (MANE Select); 5 bases into the intron after coding-DNA position 3137, G replaced by A.
Molecular consequence: intron variant.
Genome position (GRCh38, 1-based): chr6:75,895,265, G>A. VCF-style: chr6-75895265-G-A. GRCh37 (hg19) VCF-style: chr6-76604982-G-A.
Other names: c.3164+5G>A (NM_001368865.1, NM_001368866.1, NM_001368137.1); c.3107+2575G>A (NM_001300899.2, NM_001368136.1); c.3092+2575G>A (NM_001368138.1).
Identifiers: ClinVar variation 45152 (VCV000045152.11), dbSNP rs397517050, ClinGen allele CA135622.

ClinVar aggregate classification (germline): Uncertain significance. Review status: criteria provided, multiple submitters, no conflicts (2 of 4 stars). 4 submissions from 4 submitters: Uncertain significance (4). Last evaluated 2025-09-23.

Conditions:
MYO6-related disorder. Also called: MYO6-related disorders; MYO6-related condition.

Allele frequency attached by ClinVar (database versions not stated): gnomAD exomes 0.00002 and 0.00001; gnomAD 0.00001; TOPMed 0.00001; ExAC 0.00002.
gnomAD v4.1: 10 of 1,604,270 alleles (0.00062%); highest among the groups gnomAD compares: Admixed American, 0.015%; no homozygotes.

Submissions (4):

PreventionGenetics, part of Exact Sciences
Classification: Uncertain significance for MYO6-related condition. Last evaluated: 2025-09-23. Review status: criteria provided, single submitter. Criteria: ACMG Guidelines, 2015. Collection method: clinical testing. Allele origin: germline.
Comment: The MYO6 c.3137+5G>A variant is predicted to interfere with splicing. This variant is predicted to alter splicing based on available splicing prediction programs (SpliceAI, Jaganathan et al. 2019. PubMed ID: 30661751). However, the use of computer prediction programs is not equivalent to functional evidence. To our knowledge, this variant has not been reported in the literature. This variant is reported in 0.017% of alleles in individuals of Latino descent in gnomAD. At this time, the clinical significance of this variant is uncertain due to the absence of conclusive functional and genetic evidence.

GeneDx
Classification: Uncertain significance. Last evaluated: 2025-06-12. Review status: criteria provided, single submitter. Criteria: GeneDx Variant Classification Process June 2021. Collection method: clinical testing. Allele origin: germline.
Comment: Has not been previously published as pathogenic or benign to our knowledge; In silico analysis is inconclusive as to whether the variant alters gene splicing. In the absence of RNA/functional studies, the actual effect of this sequence change is unknown.

Labcorp Genetics (formerly Invitae), Labcorp
Classification: Uncertain significance. Last evaluated: 2023-06-09. Review status: criteria provided, single submitter. Criteria: Invitae Variant Classification Sherloc (09022015). Collection method: clinical testing. Allele origin: germline.
Comment: In summary, the available evidence is currently insufficient to determine the role of this variant in disease. Therefore, it has been classified as a Variant of Uncertain Significance. Variants that disrupt the consensus splice site are a relatively common cause of aberrant splicing (PMID: 17576681, 9536098). Algorithms developed to predict the effect of sequence changes on RNA splicing suggest that this variant may disrupt the consensus splice site. ClinVar contains an entry for this variant (Variation ID: 45152). This variant has not been reported in the literature in individuals affected with MYO6-related conditions. The frequency data for this variant in the population databases is considered unreliable, as metrics indicate poor data quality at this position in the gnomAD database. This sequence change falls in intron 29 of the MYO6 gene. It does not directly change the encoded amino acid sequence of the MYO6 protein. It affects a nucleotide within the consensus splice site.

Laboratory for Molecular Medicine, Mass General Brigham Personalized Medicine
Classification: Uncertain significance. Last evaluated: 2010-12-22. Review status: criteria provided, single submitter. Criteria: LMM Criteria. Collection method: clinical testing. Allele origin: germline. Observed: 1 variant allele.
Comment: The 3137+5G>A variant in MYO6 has not been reported in the literature nor previo usly identified by our laboratory. The 3137+5 variant is located in the 5' splic e region but does not affect the invariant +1 and +2 positions. However, positio ns +3 to +6 are part of the splicing consensus sequence and variants involving t hese positions sometimes affect splicing. Three computational algorithms predict this variant to impact the splicing consensus sequence (MaxEntScan, NNSPLICE, H uman Splice Finder); however, these predictions are insufficient to establish pa thogenicity. It should be noted that this lab has only sequenced the MYO6 gene i n 32 Hispanic individuals such that the full spectrum of benign variation has no t yet been defined for this population, increasing the possibility that this may be a benign variant.

Literature cited by the submitters: PubMed 17576681 (cited by Labcorp Genetics (formerly Invitae), Labcorp); PubMed 9536098 (cited by Labcorp Genetics (formerly Invitae), Labcorp).